The following is an entry in ClinVar:

ClinVar aggregate classification (germline): Uncertain significance (1 of 4 stars; one submission).

Conditions:
Myofibrillar myopathy 4. Also called: Zaspopathy (type). Identifiers: Orphanet 98912, MedGen C4721886, MONDO:0012277, OMIM 609452.

Submission:

Labcorp Genetics (formerly Invitae), Labcorp
Classification: Uncertain significance for Myofibrillar myopathy 4. Last evaluated: 2021-06-26. Review status: criteria provided, single submitter. Criteria: Invitae Variant Classification Sherloc (09022015). Collection method: clinical testing. Allele origin: germline.
Comment: A gross deletion of the genomic region encompassing the full coding sequence of the LDB3 gene has been identified. The current clinical and genetic evidence is not sufficient to establish whether loss-of-function variants in LDB3 cause disease. The boundaries of this event are unknown as they extend beyond the assayed region for this gene and therefore may encompass additional genes. This variant has not been reported in the literature in individuals affected with LDB3-related conditions. In summary, the available evidence is currently insufficient to determine the role of this variant in disease. Therefore, it has been classified as a Variant of Uncertain Significance.

NC_000010.10:g.(?_88428449)_(88492733_?)del

Gene: LDB3 (LIM domain binding 3; plus strand). Cytogenetic location: 10q23.2.
Variant type: Deletion.
Identifiers: ClinVar variation 1511270 (VCV001511270.1).